The following is an entry in ClinVar:

NM_001367624.2(ZNF469):c.2651C>T (p.Pro884Leu)

Gene: ZNF469 (zinc finger protein 469; plus strand). Cytogenetic location: 16q24.2.
Variant type: single nucleotide variant.
Coding change: c.2651C>T on transcript NM_001367624.2 (MANE Select); coding-DNA position 2651, C replaced by T.
Protein change: p.Pro884Leu; replaces proline 884 with leucine.
Molecular consequence: missense variant.
Genome position (GRCh38, 1-based): chr16:88,430,121, C>T. VCF-style: chr16-88430121-C-T. GRCh37 (hg19) VCF-style: chr16-88496529-C-T.
Other names: NM_001127464.1:c.2651C>T; short protein forms P884L.
Identifiers: ClinVar variation 1186971 (VCV001186971.5), dbSNP rs1306748524, ClinGen allele CA397074254.
Genomic context (GRCh38, chr16:88,430,121, plus strand): 5'-TCATCGACGTCTTCGCGGACGAGGAGCCTTCCGGCCCCAGAGGTCCCAGCTCCGGACACC[C>T]CCTTAAGAGCAAGGCGGGGGTGACTCCAGAGAGCAAAGCTCCGCCCCCGCTCCCAGCAGC-3'
Protein context (NP_001354553.1, residues 874-894): SGPRGPSSGH[Pro884Leu]LKSKAGVTPE

ClinVar aggregate classification (germline): Uncertain significance. Review status: criteria provided, multiple submitters, no conflicts (2 of 4 stars). 2 submissions from 2 submitters: Uncertain significance (2). Last evaluated 2021-12-02.

Conditions:
Cardiovascular phenotype. Identifiers: MedGen CN230736.

Allele frequency attached by ClinVar (database versions not stated): gnomAD exomes 0.00001.
gnomAD v4.1: 7 of 1,550,254 alleles (0.00045%); highest among the groups gnomAD compares: Admixed American, 0.002%; no homozygotes.

Submissions (2):

Ambry Genetics
Classification: Uncertain significance for Cardiovascular phenotype. Last evaluated: 2021-12-02. Review status: criteria provided, single submitter. Criteria: Ambry Variant Classification Scheme 2023. Collection method: clinical testing. Allele origin: germline.

GeneDx
Classification: Uncertain significance. Last evaluated: 2021-05-11. Review status: criteria provided, single submitter. Criteria: GeneDx Variant Classification Process June 2021. Collection method: clinical testing. Allele origin: germline. Affected: yes.
Comment: Not observed at a significant frequency in large population cohorts (Lek et al., 2016); In silico analysis supports that this missense variant has a deleterious effect on protein structure/function; Has not been previously published as pathogenic or benign to our knowledge